The following is an entry in ClinVar:

ClinVar aggregate classification (germline): Uncertain significance (1 of 4 stars; one submission).

Conditions:
Hyperammonemic encephalopathy due to carbonic anhydrase VA deficiency. Also called: Carbonic anhydrase VA deficiency, hyperammonemia due to; Carbonic Anhydrase VA Deficiency. Identifiers: Orphanet 401948, MedGen C4706871, MONDO:0014332, OMIM 615751.

Allele frequency attached by ClinVar (database versions not stated): TOPMed 0.00002; gnomAD 0.00003 and 0.00004; ExAC 0.00006; gnomAD exomes 0.00007 and 0.00008.
gnomAD v4.1: 118 of 1,588,666 alleles (0.0074%); highest among the groups gnomAD compares: Non-Finnish European, 0.009%; no homozygotes.

Submission:

Labcorp Genetics (formerly Invitae), Labcorp
Classification: Uncertain significance for Hyperammonemic encephalopathy due to carbonic anhydrase VA deficiency. Last evaluated: 2022-07-12. Review status: criteria provided, single submitter. Criteria: Invitae Variant Classification Sherloc (09022015). Collection method: clinical testing. Allele origin: germline.
Comment: In summary, the available evidence is currently insufficient to determine the role of this variant in disease. Therefore, it has been classified as a Variant of Uncertain Significance. Algorithms developed to predict the effect of missense changes on protein structure and function output the following: SIFT: "Tolerated"; PolyPhen-2: "Benign"; Align-GVGD: "Class C0". The leucine amino acid residue is found in multiple mammalian species, which suggests that this missense change does not adversely affect protein function. ClinVar contains an entry for this variant (Variation ID: 1469799). This variant has not been reported in the literature in individuals affected with CA5A-related conditions. This variant is present in population databases (rs764182711, gnomAD 0.01%). This sequence change replaces proline, which is neutral and non-polar, with leucine, which is neutral and non-polar, at codon 55 of the CA5A protein (p.Pro55Leu).

NM_001739.2(CA5A):c.164C>T (p.Pro55Leu)

Gene: CA5A (carbonic anhydrase 5A; minus strand). Cytogenetic location: 16q24.2.
Variant type: single nucleotide variant.
Coding change: c.164C>T on transcript NM_001739.2 (MANE Select); coding-DNA position 164, C replaced by T.
Protein change: p.Pro55Leu; replaces proline 55 with leucine.
Molecular consequence: missense variant. On other transcripts: non-coding transcript variant (2).
Genome position (GRCh38, 1-based): chr16:87,926,924, G>A on the plus strand (C>T on the coding strand, the complement: CA5A is on the minus strand). VCF-style: chr16-87926924-G-A. GRCh37 (hg19) VCF-style: chr16-87960530-G-A.
Other names: c.164C>T, p.Pro55Leu (NM_001367225.1); short protein forms P55L.
Identifiers: ClinVar variation 1469799 (VCV001469799.6), dbSNP rs764182711, ClinGen allele CA8223602.